The following is an entry in ClinVar:

NM_014633.5(CTR9):c.2864G>T (p.Arg955Ile)

Gene: CTR9 (CTR9 component of Paf1/RNA polymerase II complex; plus strand). Cytogenetic location: 11p15.4.
Variant type: single nucleotide variant.
Coding change: c.2864G>T on transcript NM_014633.5 (MANE Select); coding-DNA position 2864, G replaced by T.
Protein change: p.Arg955Ile; replaces arginine 955 with isoleucine.
Molecular consequence: missense variant.
Genome position (GRCh38, 1-based): chr11:10,774,148, G>T. VCF-style: chr11-10774148-G-T. GRCh37 (hg19) VCF-style: chr11-10795695-G-T.
Other names: c.2792G>T, p.Arg931Ile (NM_001346279.2); short protein forms R955I, R931I.
Identifiers: ClinVar variation 5009382 (VCV005009382.1).

ClinVar aggregate classification (germline): Uncertain significance (1 of 4 stars; one submission).

Submission:

GeneDx
Classification: Uncertain significance. Last evaluated: 2026-03-17. Review status: criteria provided, single submitter. Criteria: GeneDx Variant Classification Process June 2021. Collection method: clinical testing. Allele origin: germline.
Comment: Not observed at significant frequency in large population cohorts (gnomAD); In silico analysis supports that this missense variant has a deleterious effect on protein structure/function; Has not been previously published as pathogenic or benign to our knowledge